The following is an entry in ClinVar:

ClinVar aggregate classification (germline): Benign (1 of 4 stars; one submission).

Conditions:
Familial hemophagocytic lymphohistiocytosis 4 (FHL4). Also called: STX11-Related Familial Hemophagocytic Lymphohistiocytosis (STX11-fHLH). Identifiers: Orphanet 540, MedGen C1863728, MONDO:0011336, OMIM 603552.

Allele frequency attached by ClinVar (database versions not stated): TOPMed 0.08644; gnomAD 0.08817; 1000 Genomes Project 30x 0.12242; 1000 Genomes Project 0.12580.
gnomAD v4.1: 13,101 of 152,170 alleles (8.6%); highest among the groups gnomAD compares: East Asian, 25%; 777 homozygotes.

Submission:

Illumina Laboratory Services, Illumina
Classification: Benign for Familial hemophagocytic lymphohistiocytosis 4. Last evaluated: 2018-01-13. Review status: criteria provided, single submitter. Criteria: ICSL Variant Classification Criteria 13 December 2019. Collection method: clinical testing. Allele origin: germline.
Comment: This variant was observed in the ICSL laboratory as part of a predisposition screen in an ostensibly healthy population. It had not been previously curated by ICSL or reported in the Human Gene Mutation Database (HGMD: prior to June 1st, 2018), and was therefore a candidate for classification through an automated scoring system. Utilizing variant allele frequency, disease prevalence and penetrance estimates, and inheritance mode, an automated score was calculated to assess if this variant is too frequent to cause the disease. Based on the score and internal cut-off values, a variant classified as benign is not then subjected to further curation. The score for this variant resulted in a classification of benign for this disease.

NM_003764.4(STX11):c.*4361C>T

Gene: STX11 (syntaxin 11; plus strand). Cytogenetic location: 6q24.2.
Variant type: single nucleotide variant.
Coding change: c.*4361C>T on transcript NM_003764.4 (MANE Select); 4361 bases downstream of the stop codon, C replaced by T.
Molecular consequence: 3 prime UTR variant.
Genome position (GRCh38, 1-based): chr6:144,191,852, C>T. VCF-style: chr6-144191852-C-T. GRCh37 (hg19) VCF-style: chr6-144512989-C-T.
Other names: c.*4361C>T (LRG_113t1).
Identifiers: ClinVar variation 355667 (VCV000355667.5), dbSNP rs6912580, ClinGen allele CA10626183.